The following is an entry in ClinVar:

ClinVar aggregate classification (germline): Uncertain significance (1 of 4 stars; one submission).

Conditions:
RASopathy. Also called: Noonan spectrum disorder; rasopathies. Identifiers: Orphanet 536391, MedGen C5555857, MONDO:0021060.

Submission:

Labcorp Genetics (formerly Invitae), Labcorp
Classification: Uncertain significance for RASopathy. Last evaluated: 2024-04-01. Review status: criteria provided, single submitter. Criteria: Invitae Variant Classification Sherloc (09022015). Collection method: clinical testing. Allele origin: germline.
Comment: This sequence change replaces glycine, which is neutral and non-polar, with aspartic acid, which is acidic and polar, at codon 535 of the RAF1 protein (p.Gly535Asp). This variant is not present in population databases (gnomAD no frequency). This variant has not been reported in the literature in individuals affected with RAF1-related conditions. Advanced modeling of protein sequence and biophysical properties (such as structural, functional, and spatial information, amino acid conservation, physicochemical variation, residue mobility, and thermodynamic stability) performed at Invitae indicates that this missense variant is expected to disrupt RAF1 protein function with a positive predictive value of 95%. In summary, the available evidence is currently insufficient to determine the role of this variant in disease. Therefore, it has been classified as a Variant of Uncertain Significance.

NM_002880.4(RAF1):c.1604G>A (p.Gly535Asp)

Gene: RAF1 (Raf-1 proto-oncogene, serine/threonine kinase; minus strand). Cytogenetic location: 3p25.2.
Variant type: single nucleotide variant.
Coding change: c.1604G>A on transcript NM_002880.4 (MANE Select); coding-DNA position 1604, G replaced by A.
Protein change: p.Gly535Asp; replaces glycine 535 with aspartic acid.
Molecular consequence: missense variant. On other transcripts: non-coding transcript variant (3).
Genome position (GRCh38, 1-based): chr3:12,585,186, C>T on the plus strand (G>A on the coding strand, the complement: RAF1 is on the minus strand). VCF-style: chr3-12585186-C-T. GRCh37 (hg19) VCF-style: chr3-12626685-C-T.
Other names: c.1664G>A, p.Gly555Asp (NM_001354689.3); c.1604G>A, p.Gly535Asp (NM_001354690.3); c.1361G>A, p.Gly454Asp (NM_001354691.3, NM_001354692.3); c.1505G>A, p.Gly502Asp (NM_001354693.3); c.1421G>A, p.Gly474Asp (NM_001354694.3); c.1262G>A, p.Gly421Asp (NM_001354695.3); short protein forms G555D, G454D, G421D, G474D, G535D, G502D.
Identifiers: ClinVar variation 3635590 (VCV003635590.2).
Genomic context (GRCh38, chr3:12,585,186, plus strand): 5'-TCTCGGTTGTTGATGTGAGAATAAGGAAGCTCCCCCGTCATCAGTTCATACAATACGATG[C>T]CATAGGAGTAGACATCCGACTGGAAACTGAATGGGTTGTTATCCTGCATTCGGATCACCT-3'
Protein context (NP_002871.1, residues 525-545): FSFQSDVYSY[Gly535Asp]IVLYELMTGE